The following is an entry in ClinVar:

NM_001205293.3(CACNA1E):c.92C>G (p.Pro31Arg)

Gene: CACNA1E (calcium voltage-gated channel subunit alpha1 E; plus strand). Cytogenetic location: 1q25.3.
Variant type: single nucleotide variant.
Coding change: c.92C>G on transcript NM_001205293.3 (MANE Select); coding-DNA position 92, C replaced by G.
Protein change: p.Pro31Arg; replaces proline 31 with arginine.
Molecular consequence: missense variant.
Genome position (GRCh38, 1-based): chr1:181,483,836, C>G. VCF-style: chr1-181483836-C-G. GRCh37 (hg19) VCF-style: chr1-181452972-C-G.
Other names: c.92C>G, p.Pro31Arg (NM_000721.4, NM_001205294.2); short protein forms P31R.
Identifiers: ClinVar variation 4530871 (VCV004530871.1).
Genomic context (GRCh38, chr1:181,483,836, plus strand): 5'-GGCCAGGGTCCGGCGATGGAGACTCGGACCAGAGCAGGAACCGGCAAGGAACCCCCGTGC[C>G]GGCCTCGGGGCAGGCGGCCGCCTACAAGCAGACGAAAGCACAGAGGGCGCGGACTATGGC-3'
Protein context (NP_001192222.1, residues 21-41): QSRNRQGTPV[Pro31Arg]ASGQAAAYKQ

ClinVar aggregate classification (germline): Uncertain significance (1 of 4 stars; one submission).

Submission:

GeneDx
Classification: Uncertain significance. Last evaluated: 2025-05-14. Review status: criteria provided, single submitter. Criteria: GeneDx Variant Classification Process June 2021. Collection method: clinical testing. Allele origin: germline. Affected: yes.
Comment: Not observed at significant frequency in large population cohorts (gnomAD); In silico analysis suggests that this missense variant does not alter protein structure/function; Has not been previously published as pathogenic or benign to our knowledge